The following is an entry in ClinVar:

ClinVar aggregate classification (germline): Likely pathogenic (1 of 4 stars; one submission).

Conditions:
Neurodevelopmental disorder with hypotonia, language delay, and skeletal defects with or without seizures (NEDHLSS). Identifiers: MedGen C5774213, MONDO:0859286, OMIM 620029.

Submission:

MVZ Medizinische Genetik Mainz
Classification: Likely pathogenic for Neurodevelopmental disorder with hypotonia, language delay, and skeletal defects with or without seizures. Last evaluated: 2024-10-04. Review status: criteria provided, single submitter. Criteria: UK Practice Guidelines For Variant Classification V4 01 2020. Collection method: clinical testing. Allele origin: germline. Inheritance: Autosomal dominant inheritance. Affected: yes. Observed: 1 variant allele.
Comment: ACMG Criteria: PP3_STR,PM2_SUP,PP2

NM_000719.7(CACNA1C):c.4246G>A (p.Glu1416Lys)

Gene: CACNA1C (calcium voltage-gated channel subunit alpha1 C; plus strand). Cytogenetic location: 12p13.33.
Variant type: single nucleotide variant.
Coding change: c.4246G>A on transcript NM_000719.7 (MANE Select); coding-DNA position 4246, G replaced by A.
Protein change: p.Glu1416Lys; replaces glutamic acid 1416 with lysine.
Molecular consequence: missense variant.
Genome position (GRCh38, 1-based): chr12:2,664,838, G>A. VCF-style: chr12-2664838-G-A. GRCh37 (hg19) VCF-style: chr12-2774004-G-A.
Other names: c.4390G>A, p.Glu1464Lys (NM_001129827.2, NM_199460.4); c.4312G>A, p.Glu1438Lys (NM_001129829.2); c.4246G>A, p.Glu1416Lys (NM_001129830.3, NM_001129833.2, NM_001129834.2 and 7 more transcripts); c.4330G>A, p.Glu1444Lys (NM_001129831.2); c.4306G>A, p.Glu1436Lys (NM_001129832.2); c.4297G>A, p.Glu1433Lys (NM_001129836.2); c.4213G>A, p.Glu1405Lys (NM_001129837.2, NM_001129838.2, NM_001129846.2 and 1 more transcripts); c.4207G>A, p.Glu1403Lys (NM_001129839.2); and 1 more; short protein forms E1403K, E1405K, E1413K, E1416K, E1433K, E1436K, E1438K, E1444K.
Identifiers: ClinVar variation 3370332 (VCV003370332.1).